The following is an entry in ClinVar:

ClinVar aggregate classification (germline): Conflicting classifications of pathogenicity. Review status: criteria provided, conflicting classifications (1 of 4 stars). 6 submissions from 4 submitters: Uncertain significance (2); Benign (2); Likely benign (2). Last evaluated 2026-01-26.

Conditions:
Obesity. Also called: Obesity disorder. Identifiers: Orphanet 71529, MedGen C0028754, MeSH D009765, MONDO:0011122, HP:0001513.
INSULIN RESISTANCE, DIGENIC. Identifiers: MedGen C4016738.
PPARG-related familial partial lipodystrophy. Also called: LIPODYSTROPHY, FAMILIAL PARTIAL, ASSOCIATED WITH PPARG MUTATIONS. Identifiers: Orphanet 79083, MedGen C1720861, MONDO:0011448, OMIM 604367.

Allele frequency attached by ClinVar (database versions not stated): gnomAD exomes 0.00035 and 0.00062; ExAC 0.00050; gnomAD 0.00056 and 0.00058; ESP Exome Variant Server 0.00062; TOPMed 0.00071; 1000 Genomes Project 30x 0.00156; 1000 Genomes Project 0.00160.
gnomAD v4.1: 638 of 1,613,664 alleles (0.04%); highest among the groups gnomAD compares: Middle Eastern, 0.86%; 2 homozygotes.

Submissions (6):

Labcorp Genetics (formerly Invitae), Labcorp
Classification: Benign. Last evaluated: 2026-01-26. Review status: criteria provided, single submitter. Criteria: Invitae Variant Classification Sherloc (09022015). Collection method: clinical testing. Allele origin: germline.

Blueprint Genetics
Classification: Likely benign. Last evaluated: 2024-11-01. Review status: criteria provided, single submitter. Criteria: ACMG Guidelines, 2015. Collection method: clinical testing. Allele origin: germline.

Illumina Laboratory Services, Illumina
Classification: Benign for PPARG-related familial partial lipodystrophy. Last evaluated: 2018-01-13. Review status: criteria provided, single submitter. Criteria: ICSL Variant Classification Criteria 13 December 2019. Collection method: clinical testing. Allele origin: germline.
Comment: This variant was observed in the ICSL laboratory as part of a predisposition screen in an ostensibly healthy population. It had not been previously curated by ICSL or reported in the Human Gene Mutation Database (HGMD: prior to June 1st, 2018), and was therefore a candidate for classification through an automated scoring system. Utilizing variant allele frequency, disease prevalence and penetrance estimates, and inheritance mode, an automated score was calculated to assess if this variant is too frequent to cause the disease. Based on the score and internal cut-off values, a variant classified as benign is not then subjected to further curation. The score for this variant resulted in a classification of benign for this disease.

Illumina Laboratory Services, Illumina
Classification: Uncertain significance for Inherited obesity. Last evaluated: 2018-01-13. Review status: criteria provided, single submitter. Criteria: ICSL Variant Classification Criteria 13 December 2019. Collection method: clinical testing. Allele origin: germline.

Illumina Laboratory Services, Illumina
Classification: Uncertain significance for Diabetes Mellitus, Noninsulin-Dependent, with Acanthosis Nigricans and Hypertension. Last evaluated: 2018-01-13. Review status: criteria provided, single submitter. Criteria: ICSL Variant Classification Criteria 13 December 2019. Collection method: clinical testing. Allele origin: germline.

Genetic Services Laboratory, University of Chicago
Classification: Likely benign. Last evaluated: 2015-12-11. Review status: criteria provided, single submitter. Criteria: ACMG Guidelines, 2015. Collection method: clinical testing. Allele origin: germline. Affected: no.

NM_138711.6(PPARG):c.348T>C (p.Ala116=)

Gene: PPARG (peroxisome proliferator activated receptor gamma; plus strand). Cytogenetic location: 3p25.2.
Variant type: single nucleotide variant.
Coding change: c.348T>C on transcript NM_138711.6 (MANE Select); coding-DNA position 348, T replaced by C.
Protein change: p.Ala116=; no amino-acid change (alanine 116 retained).
Molecular consequence: synonymous variant. On other transcripts: 5 prime UTR variant (1).
Genome position (GRCh38, 1-based): chr3:12,381,449, T>C. VCF-style: chr3-12381449-T-C. GRCh37 (hg19) VCF-style: chr3-12422948-T-C.
Other names: c.348T>C, p.Ala116= (NM_001330615.4, NM_001354666.3, NM_001354667.3 and 6 more transcripts); c.438T>C, p.Ala146= (NM_001354668.2, NM_001374265.1, NM_015869.5); c.-80T>C (NM_001354669.2); c.354T>C, p.Ala118= (NM_001354670.2, NM_001374266.1).
Identifiers: ClinVar variation 342922 (VCV000342922.20), dbSNP rs147975759, ClinGen allele CA2258158.
Genomic context (GRCh38, chr3:12,381,449, plus strand): 5'-TCATGAAGAGCCTTCCAACTCCCTCATGGCAATTGAATGTCGTGTCTGTGGAGATAAAGC[T>C]TCTGGATTTCACTATGGAGTTCATGCTTGTGAAGGATGCAAGGTAATTAAAAAAAAAGTC-3'
Protein context (NP_619725.3, residues 106-126): AIECRVCGDK[Ala116=]SGFHYGVHAC